The following is an entry in ClinVar:

ClinVar aggregate classification (germline): Likely benign (1 of 4 stars; one submission).

gnomAD v4.1: 9 of 1,612,574 alleles (0.00056%); highest among the groups gnomAD compares: East Asian, 0.0022%; no homozygotes.

Submission:

CeGaT Center for Human Genetics Tuebingen
Classification: Likely benign. Last evaluated: 2025-08-01. Review status: criteria provided, single submitter. Criteria: CeGaT Center For Human Genetics Tuebingen Variant Classification Criteria Version 2. Collection method: clinical testing. Allele origin: germline. Affected: yes. Observed: 1 variant allele.
Comment: KDM4B: BP4

NM_015015.3(KDM4B):c.2480C>T (p.Ala827Val)

Gene: KDM4B (lysine demethylase 4B; plus strand). Cytogenetic location: 19p13.3.
Variant type: single nucleotide variant.
Coding change: c.2480C>T on transcript NM_015015.3 (MANE Select); coding-DNA position 2480, C replaced by T.
Protein change: p.Ala827Val; replaces alanine 827 with valine.
Molecular consequence: missense variant.
Genome position (GRCh38, 1-based): chr19:5,138,000, C>T. VCF-style: chr19-5138000-C-T. GRCh37 (hg19) VCF-style: chr19-5138011-C-T.
Other names: c.2582C>T, p.Ala861Val (NM_001411148.1); short protein forms A827V, A861V.
Identifiers: ClinVar variation 4084719 (VCV004084719.8).